The following is an entry in ClinVar:

NM_017514.5(PLXNA3):c.4089C>G (p.Thr1363=)

Gene: PLXNA3 (plexin A3; plus strand). Cytogenetic location: Xq28.
Variant type: single nucleotide variant.
Coding change: c.4089C>G on transcript NM_017514.5 (MANE Select); coding-DNA position 4089, C replaced by G.
Protein change: p.Thr1363=; no amino-acid change (threonine 1363 retained).
Molecular consequence: synonymous variant.
Genome position (GRCh38, 1-based): chrX:154,468,428, C>G. VCF-style: chrX-154468428-C-G. GRCh37 (hg19) VCF-style: chrX-153696771-C-G.
Identifiers: ClinVar variation 3033018 (VCV003033018.2), dbSNP rs371665634, ClinGen allele CA519713148.

ClinVar aggregate classification (germline): Likely benign (0 of 4 stars; one submission).

Conditions:
PLXNA3-related disorder. Also called: PLXNA3-related condition.

Submission:

PreventionGenetics, part of Exact Sciences
Classification: Likely benign for PLXNA3-related condition. Last evaluated: 2021-10-13. Review status: no assertion criteria provided. Collection method: clinical testing. Allele origin: germline.
Comment: This variant is classified as likely benign based on ACMG/AMP sequence variant interpretation guidelines (Richards et al. 2015 PMID: 25741868, with internal and published modifications).